The following is an entry in ClinVar:

NM_015346.4(ZFYVE26):c.4561dup (p.Tyr1521fs)

Gene: ZFYVE26 (zinc finger FYVE-type containing 26; minus strand). Cytogenetic location: 14q24.1.
Variant type: Duplication.
Coding change: c.4561dup on transcript NM_015346.4 (MANE Select); coding-DNA position 4561, one base duplicated (T; older notation c.4561dupT).
Protein change: p.Tyr1521fs; shifts the reading frame from tyrosine 1521.
Molecular consequence: frameshift variant.
Genome position (GRCh38, 1-based): chr14:67,781,341, A duplicated on the plus strand (T on the coding strand, the reverse complement: ZFYVE26 is on the minus strand). VCF-style (leftmost placement, unchanged base first): chr14-67781340-T-TA. GRCh37 (hg19) VCF-style: chr14-68248057-T-TA.
Other names: short protein forms Y1521fs.
Identifiers: ClinVar variation 5013546 (VCV005013546.1).
Genomic context (GRCh38, chr14:67,781,340, plus strand): 5'-TTGATCATAGAGTGAGAAGCCCGTTCCCTTTCTCTTGATGCGAGGGCCCATACCTTCTGA[T>TA]ACACCTGCAGCTCCGCCAGCTTCCTCTGTAGCTCACACTTTAGTCCTTCTTGGACAGCCG-3'

ClinVar aggregate classification (germline): Pathogenic (1 of 4 stars; one submission).

Conditions:
Hereditary spastic paraplegia 15 (SPG15). Also called: SPASTIC PARAPLEGIA 15, AUTOSOMAL RECESSIVE; KJELLIN SYNDROME; SPASTIC PARAPLEGIA AND RETINAL DEGENERATION. Identifiers: Orphanet 100996, MedGen C1849128, MONDO:0010044, OMIM 270700.

Submission:

Myriad Genetics, Inc.
Classification: Pathogenic for Hereditary spastic paraplegia 15. Last evaluated: 2024-09-12. Review status: criteria provided, single submitter. Criteria: Myriad Autosomal Dominant, Autosomal Recessive and X-Linked Classification Criteria (2023). Collection method: clinical testing. Allele origin: unknown.
Comment: NM_015346.3(ZFYVE26):c.4561dupT(Y1521Lfs*15) is expected to be pathogenic in the context of spastic paraplegia type 15. This variant is predicted to lead to an abnormal or absent protein product due to the creation of a premature termination codon in ZFYVE26, a gene where loss-of-function variants are known to be pathogenic. Please note: this variant was assessed in the context of healthy population screening.